The following is an entry in ClinVar:

ClinVar aggregate classification (germline): Uncertain significance (1 of 4 stars; one submission).

Submission:

Labcorp Genetics (formerly Invitae), Labcorp
Classification: Uncertain significance. Last evaluated: 2022-12-16. Review status: criteria provided, single submitter. Criteria: Invitae Variant Classification Sherloc (09022015). Collection method: clinical testing. Allele origin: germline.
Comment: This variant has not been reported in the literature in individuals affected with TNNI3K-related conditions. This sequence change creates a premature translational stop signal (p.Ser69Tyrfs*20) in the TNNI3K gene. It is expected to result in an absent or disrupted protein product. However, the current clinical and genetic evidence is not sufficient to establish whether loss-of-function variants in TNNI3K cause disease. This variant is not present in population databases (gnomAD no frequency). In summary, the available evidence is currently insufficient to determine the role of this variant in disease. Therefore, it has been classified as a Variant of Uncertain Significance.

NM_015978.3(TNNI3K):c.201_204del (p.Ser69fs)

Genes: FPGT-TNNI3K (FPGT-TNNI3K readthrough; plus strand), TNNI3K (TNNI3 interacting kinase; plus strand). Cytogenetic location: 1p31.1.
Variant type: Deletion.
Coding change: c.201_204del on transcript NM_015978.3 (MANE Select); coding-DNA positions 201 to 204, 4 bases deleted (GCTG; older notation c.201_204delGCTG).
Protein change: p.Ser69fs; shifts the reading frame from serine 69.
Molecular consequence: frameshift variant.
Genome position (GRCh38, 1-based): chr1:74,249,510-74,249,513, GCTG deleted; deleting any 4 consecutive bases within chr1:74,249,509-74,249,513 gives the same sequence; the c. name uses the placement nearest the transcript's 3' end. VCF-style (leftmost placement, unchanged base first): chr1-74249508-GGGCT-G. GRCh37 (hg19) VCF-style: chr1-74715192-GGGCT-G.
Other names: c.504_507del, p.Ser170fs (NM_001112808.3, NM_001199327.2); short protein forms S170fs, S69fs.
Identifiers: ClinVar variation 2810026 (VCV002810026.3), dbSNP rs2524364229, ClinGen allele CA2739272624.